The following is an entry in ClinVar:

NM_198525.3(KIF7):c.3796C>T (p.Arg1266Trp)

Gene: KIF7 (kinesin family member 7; minus strand). Cytogenetic location: 15q26.1.
Variant type: single nucleotide variant.
Coding change: c.3796C>T on transcript NM_198525.3 (MANE Select); coding-DNA position 3796, C replaced by T.
Protein change: p.Arg1266Trp; replaces arginine 1266 with tryptophan.
Molecular consequence: missense variant.
Genome position (GRCh38, 1-based): chr15:89,628,655, G>A on the plus strand (C>T on the coding strand, the complement: KIF7 is on the minus strand). VCF-style: chr15-89628655-G-A. GRCh37 (hg19) VCF-style: chr15-90171886-G-A.
Other names: short protein forms R1266W.
Identifiers: ClinVar variation 1894768 (VCV001894768.5), dbSNP rs747263865, ClinGen allele CA7727525.
Genomic context (GRCh38, chr15:89,628,655, plus strand): 5'-CCTCACCACACAGGCTCGAGCGTTTCCAGGTCAAGGGTAACGGAGCGTGGACCAAGTCCC[G>A]CGTCTCCTCCCGGGTGCGGGGGGCCCCCTCAGTGAGGGGGGACAGCCAGAGAAGCTCGGG-3'
Protein context (NP_940927.2, residues 1256-1276): EGAPRTREET[Arg1266Trp]DLVHAPLPLT

ClinVar aggregate classification (germline): Uncertain significance (1 of 4 stars; one submission).

Conditions:
Acrocallosal syndrome (ACLS). Also called: HALLUX DUPLICATION, POSTAXIAL POLYDACTYLY, AND ABSENCE OF CORPUS CALLOSUM; Schinzel syndrome 1; Absence of corpus callosum with unusual facial appearance, mental deficiency, duplication of the halluces and polydactyly. Identifiers: Orphanet 36, MedGen C0796147, MONDO:0008708, OMIM 200990.

Allele frequency attached by ClinVar (database versions not stated): TOPMed below 0.00001; ExAC 0.00001.

Submission:

Labcorp Genetics (formerly Invitae), Labcorp
Classification: Uncertain significance for Acrocallosal syndrome. Last evaluated: 2022-08-21. Review status: criteria provided, single submitter. Criteria: Invitae Variant Classification Sherloc (09022015). Collection method: clinical testing. Allele origin: germline.
Comment: In summary, the available evidence is currently insufficient to determine the role of this variant in disease. Therefore, it has been classified as a Variant of Uncertain Significance. Algorithms developed to predict the effect of missense changes on protein structure and function are either unavailable or do not agree on the potential impact of this missense change (SIFT: "Deleterious"; PolyPhen-2: "Probably Damaging"; Align-GVGD: "Class C0"). This variant has not been reported in the literature in individuals affected with KIF7-related conditions. This variant is present in population databases (rs747263865, gnomAD 0.003%). This sequence change replaces arginine, which is basic and polar, with tryptophan, which is neutral and slightly polar, at codon 1266 of the KIF7 protein (p.Arg1266Trp).